The following is an entry in ClinVar:

NM_005535.3(IL12RB1):c.1606C>A (p.Arg536Ser)

Gene: IL12RB1 (interleukin 12 receptor subunit beta 1; minus strand). Cytogenetic location: 19p13.11.
Variant type: single nucleotide variant.
Coding change: c.1606C>A on transcript NM_005535.3 (MANE Select); coding-DNA position 1606, C replaced by A.
Protein change: p.Arg536Ser; replaces arginine 536 with serine.
Molecular consequence: missense variant.
Genome position (GRCh38, 1-based): chr19:18,063,888, G>T on the plus strand (C>A on the coding strand, the complement: IL12RB1 is on the minus strand). VCF-style: chr19-18063888-G-T. GRCh37 (hg19) VCF-style: chr19-18174698-G-T.
Other names: c.1606C>A, p.Arg536Ser (NM_001290023.2); c.1726C>A, p.Arg576Ser (NM_001290024.2); short protein forms R536S, R576S.
Identifiers: ClinVar variation 1010585 (VCV001010585.8), dbSNP rs377695964, ClinGen allele CA306160880.
Genomic context (GRCh38, chr19:18,063,888, plus strand): 5'-GTGCAGTGCATGCTGGGTAAATAACTGGGTCCTACCCCCTCCACTCACCGATGCTGAAGC[G>T]CTGGGGCTGGCTCCAGACACCCCTCAGCCACGCTGTGTCTGCTCGCACCTGCACCGTGTA-3'
Protein context (NP_005526.1, residues 526-546): WLRGVWSQPQ[Arg536Ser]FSIEVQVSDW

ClinVar aggregate classification (germline): Uncertain significance (1 of 4 stars; one submission).

Conditions:
Mendelian susceptibility to mycobacterial diseases due to complete IL12RB1 deficiency. Also called: IL12RB1 DEFICIENCY; Immunodeficiency 30. Identifiers: Orphanet 319552, MedGen C4013949, MONDO:0013955, OMIM 614891.

gnomAD v4.1: 1 of 1,613,252 alleles (0.000062%); highest among the groups gnomAD compares: Non-Finnish European, 0.000085%; no homozygotes.

Submission:

Labcorp Genetics (formerly Invitae), Labcorp
Classification: Uncertain significance for Mendelian susceptibility to mycobacterial diseases due to complete IL12RB1 deficiency. Last evaluated: 2022-09-27. Review status: criteria provided, single submitter. Criteria: Invitae Variant Classification Sherloc (09022015). Collection method: clinical testing. Allele origin: germline.
Comment: In summary, the available evidence is currently insufficient to determine the role of this variant in disease. Therefore, it has been classified as a Variant of Uncertain Significance. Advanced modeling of protein sequence and biophysical properties (such as structural, functional, and spatial information, amino acid conservation, physicochemical variation, residue mobility, and thermodynamic stability) performed at Invitae indicates that this missense variant is not expected to disrupt IL12RB1 protein function. ClinVar contains an entry for this variant (Variation ID: 1010585). This variant has not been reported in the literature in individuals affected with IL12RB1-related conditions. This variant is not present in population databases (gnomAD no frequency). This sequence change replaces arginine, which is basic and polar, with serine, which is neutral and polar, at codon 536 of the IL12RB1 protein (p.Arg536Ser).